The following is an entry in ClinVar:

ClinVar aggregate classification (germline): Uncertain significance. Review status: criteria provided, multiple submitters, no conflicts (2 of 4 stars). 3 submissions from 3 submitters: Uncertain significance (3). Last evaluated 2025-08-11.

Conditions:
Hereditary cancer-predisposing syndrome. Also called: Neoplastic Syndromes, Hereditary; Hereditary neoplastic syndrome; Tumor predisposition; Hereditary Cancer Syndrome. Identifiers: Orphanet 140162, MedGen C0027672, MeSH D009386, MONDO:0015356.
Intellectual disability, autosomal dominant 16 (CSS4). Also called: COFFIN-SIRIS SYNDROME 4. Identifiers: Orphanet 1465, MedGen C3553249, MONDO:0013821, OMIM 614609.
Rhabdoid tumor predisposition syndrome 2 (RTPS2). Identifiers: Orphanet 231108, Orphanet 69077, MedGen C2750074, MONDO:0013224, OMIM 613325.

Allele frequency attached by ClinVar (database versions not stated): TOPMed below 0.00001.
gnomAD v4.1: 1 of 1,541,504 alleles (0.000065%); highest among the groups gnomAD compares: Non-Finnish European, 0.000087%; no homozygotes.

Submissions (3):

Labcorp Genetics (formerly Invitae), Labcorp
Classification: Uncertain significance for Rhabdoid tumor predisposition syndrome 2. Last evaluated: 2025-08-11. Review status: criteria provided, single submitter. Criteria: Invitae Variant Classification Sherloc (09022015). Collection method: clinical testing. Allele origin: germline.
Comment: This sequence change replaces glycine, which is neutral and non-polar, with aspartic acid, which is acidic and polar, at codon 233 of the SMARCA4 protein (p.Gly233Asp). This variant is present in population databases (no rsID available, gnomAD 0.002%). This variant has not been reported in the literature in individuals affected with SMARCA4-related conditions. ClinVar contains an entry for this variant (Variation ID: 238512). An algorithm developed to predict the effect of missense changes on protein structure and function (PolyPhen-2) suggests that this variant is likely to be tolerated. In summary, the available evidence is currently insufficient to determine the role of this variant in disease. Therefore, it has been classified as a Variant of Uncertain Significance.

Ambry Genetics
Classification: Uncertain significance for Hereditary cancer-predisposing syndrome. Last evaluated: 2025-07-18. Review status: criteria provided, single submitter. Criteria: Ambry Variant Classification Scheme 2023. Collection method: clinical testing. Allele origin: germline.
Comment: The p.G233D variant (also known as c.698G>A), located in coding exon 3 of the SMARCA4 gene, results from a G to A substitution at nucleotide position 698. The glycine at codon 233 is replaced by aspartic acid, an amino acid with similar properties. This amino acid position is highly conserved in available vertebrate species. In addition, the in silico prediction for this alteration is inconclusive. This variant has been detected in multiple individuals with no reported features of SMARCA4-related Coffin-Siris syndrome (Ambry internal data). Based on the supporting evidence, the association of this alteration with rhabdoid tumor predisposition syndrome is unknown; however, the association of this alteration with Coffin-Siris syndrome is unlikely.

Genome-Nilou Lab
Classification: Uncertain significance for Intellectual disability, autosomal dominant 16. Last evaluated: 2021-07-15. Review status: criteria provided, single submitter. Criteria: ACMG Guidelines, 2015. Collection method: clinical testing. Allele origin: germline. Affected: no.

NM_003072.5(SMARCA4):c.698G>A (p.Gly233Asp)

Gene: SMARCA4 (SWI/SNF related BAF chromatin remodeling complex subunit ATPase 4; plus strand). Cytogenetic location: 19p13.2.
Variant type: single nucleotide variant.
Coding change: c.698G>A on transcript NM_003072.5 (MANE Select); coding-DNA position 698, G replaced by A.
Protein change: p.Gly233Asp; replaces glycine 233 with aspartic acid.
Molecular consequence: missense variant. On other transcripts: non-coding transcript variant (1).
Genome position (GRCh38, 1-based): chr19:10,986,531, G>A. VCF-style: chr19-10986531-G-A. GRCh37 (hg19) VCF-style: chr19-11097207-G-A.
Other names: c.698G>A, p.Gly233Asp (NM_001128844.3, NM_001128845.2, NM_001128846.2 and 5 more transcripts); short protein forms G233D.
Identifiers: ClinVar variation 238512 (VCV000238512.17), dbSNP rs878854238, ClinGen allele CA10583718.